The following is an entry in ClinVar:

NM_152564.5(VPS13B):c.5538_5539insT (p.Lys1847Ter)

Gene: VPS13B (vacuolar protein sorting 13 homolog B; plus strand). Cytogenetic location: 8q22.2.
Variant type: Insertion.
Coding change: c.5538_5539insT on transcript NM_152564.5 (MANE Select); coding-DNA positions 5538 to 5539, T inserted.
Protein change: p.Lys1847Ter; replaces lysine 1847 with a stop codon.
Molecular consequence: nonsense.
Genome position: GRCh38 VCF-style: chr8-99642128-C-CT. GRCh37 (hg19) VCF-style: chr8-100654356-C-CT.
Other names: c.5613_5614insT, p.Lys1872Ter (NM_017890.5); short protein forms K1847*, K1872*.
Identifiers: ClinVar variation 56675 (VCV000056675.2), dbSNP rs1554884838, ClinGen allele CA264101.

ClinVar aggregate classification (germline): Likely pathogenic (0 of 4 stars; one submission).

Conditions:
Cohen syndrome (COH1). Also called: PEPPER SYNDROME; Cutis verticis gyrata, retinitis pigmentosa, and sensorineural deafness. Identifiers: Orphanet 193, MedGen C0265223, MONDO:0008999, OMIM 216550.

Submission:

Juha Muilu Group; Institute for Molecular Medicine Finland (FIMM)
Classification: Likely pathogenic for Cohen syndrome. Review status: no assertion criteria provided. Collection method: not provided. Allele origin: unknown.
Comment: FinDis database variant: This variant was not found or characterized by our laboratory, data were collected from public sources: see reference
ClinVar note: Converted during submission from probable-pathogenic to Likely pathogenic.